The following is an entry in ClinVar:

ClinVar aggregate classification (germline): Likely benign (0 of 4 stars; one submission).

Conditions:
HELQ-related disorder. Also called: HELQ-related condition.

Allele frequency attached by ClinVar (database versions not stated): 1000 Genomes Project 0.00060; ExAC 0.00074; ESP Exome Variant Server 0.00077; 1000 Genomes Project 30x 0.00078.
gnomAD v4.1: 1,207 of 1,599,818 alleles (0.075%); highest among the groups gnomAD compares: Non-Finnish European, 0.092%; 2 homozygotes.

Submission:

PreventionGenetics, part of Exact Sciences
Classification: Likely benign for HELQ-related condition. Last evaluated: 2019-12-09. Review status: no assertion criteria provided. Collection method: clinical testing. Allele origin: germline.
Comment: This variant is classified as likely benign based on ACMG/AMP sequence variant interpretation guidelines (Richards et al. 2015 PMID: 25741868, with internal and published modifications).

NM_133636.5(HELQ):c.1192-4C>G

Gene: HELQ (helicase, POLQ like; minus strand). Cytogenetic location: 4q21.23.
Variant type: single nucleotide variant.
Coding change: c.1192-4C>G on transcript NM_133636.5 (MANE Select); 4 bases into the intron before coding-DNA position 1192, C replaced by G.
Molecular consequence: intron variant.
Genome position (GRCh38, 1-based): chr4:83,447,039, G>C on the plus strand (C>G on the coding strand, the complement: HELQ is on the minus strand). VCF-style: chr4-83447039-G-C. GRCh37 (hg19) VCF-style: chr4-84368192-G-C.
Other names: c.1192-953C>G (NM_001297755.2); c.-343-4C>G (NM_001297757.2); c.-313-4C>G (NM_001297756.2).
Identifiers: ClinVar variation 3048562 (VCV003048562.2), dbSNP rs181099449, ClinGen allele CA2989809.